The following is an entry in ClinVar:

ClinVar aggregate classification (germline): Uncertain significance (1 of 4 stars; one submission).

Conditions:
Rubinstein-Taybi syndrome (RSTS). Identifiers: Orphanet 783, MedGen C0035934, MONDO:0019188.

Allele frequency attached by ClinVar (database versions not stated): gnomAD exomes below 0.00001.
gnomAD v4.1: 6 of 1,614,130 alleles (0.00037%); highest among the groups gnomAD compares: Non-Finnish European, 0.00051%; no homozygotes.

Submission:

Labcorp Genetics (formerly Invitae), Labcorp
Classification: Uncertain significance for Rubinstein-Taybi syndrome. Last evaluated: 2023-04-07. Review status: criteria provided, single submitter. Criteria: Invitae Variant Classification Sherloc (09022015). Collection method: clinical testing. Allele origin: germline.
Comment: This variant is not present in population databases (gnomAD no frequency). This variant has not been reported in the literature in individuals affected with CREBBP-related conditions. Algorithms developed to predict the effect of missense changes on protein structure and function output the following: SIFT: "Not Available"; PolyPhen-2: "Benign"; Align-GVGD: "Not Available". The asparagine amino acid residue is found in multiple mammalian species, which suggests that this missense change does not adversely affect protein function. In summary, the available evidence is currently insufficient to determine the role of this variant in disease. Therefore, it has been classified as a Variant of Uncertain Significance. This sequence change replaces serine, which is neutral and polar, with asparagine, which is neutral and polar, at codon 109 of the CREBBP protein (p.Ser109Asn).

NM_004380.3(CREBBP):c.326G>A (p.Ser109Asn)

Gene: CREBBP (CREB binding lysine acetyltransferase; minus strand). Cytogenetic location: 16p13.3.
Variant type: single nucleotide variant.
Coding change: c.326G>A on transcript NM_004380.3 (MANE Select); coding-DNA position 326, G replaced by A.
Protein change: p.Ser109Asn; replaces serine 109 with asparagine.
Molecular consequence: missense variant.
Genome position (GRCh38, 1-based): chr16:3,850,769, C>T on the plus strand (G>A on the coding strand, the complement: CREBBP is on the minus strand). VCF-style: chr16-3850769-C-T. GRCh37 (hg19) VCF-style: chr16-3900770-C-T.
Other names: c.326G>A, p.Ser109Asn (NM_001079846.1); short protein forms S109N.
Identifiers: ClinVar variation 2919581 (VCV002919581.3), dbSNP rs2548546008, ClinGen allele CA394561549.